The following is an entry in ClinVar:

ClinVar aggregate classification (germline): Pathogenic. Review status: criteria provided, multiple submitters, no conflicts (2 of 4 stars). 2 submissions from 2 submitters: Pathogenic (2). Last evaluated 2025-06-16.

Conditions:
Primary ciliary dyskinesia. Also called: Ciliary dyskinesia. Identifiers: Orphanet 244, MedGen C0008780, MONDO:0016575, HP:0012265.
RPGR-related disorder. Also called: RPGR-related condition.

Submissions (2):

Labcorp Genetics (formerly Invitae), Labcorp
Classification: Pathogenic for Primary ciliary dyskinesia. Last evaluated: 2025-06-16. Review status: criteria provided, single submitter. Criteria: Invitae Variant Classification Sherloc (09022015). Collection method: clinical testing. Allele origin: germline.
Comment: This sequence change replaces glycine, which is neutral and non-polar, with serine, which is neutral and polar, at codon 112 of the RPGR protein (p.Gly112Ser). This variant is not present in population databases (gnomAD no frequency). This missense change has been observed in individuals with retinitis pigmentosa (internal data). ClinVar contains an entry for this variant (Variation ID: 1962630). Invitae Evidence Modeling of protein sequence and biophysical properties (such as structural, functional, and spatial information, amino acid conservation, physicochemical variation, residue mobility, and thermodynamic stability) indicates that this missense variant is expected to disrupt RPGR protein function with a positive predictive value of 95%. This variant disrupts the p.Gly112 amino acid residue in RPGR. Other variant(s) that disrupt this residue have been determined to be pathogenic (PMID: 33090715; internal data). This suggests that this residue is clinically significant, and that variants that disrupt this residue are likely to be disease-causing. For these reasons, this variant has been classified as Pathogenic.

Blueprint Genetics
Classification: Pathogenic for RPGR-related disorders. Last evaluated: 2022-09-30. Review status: criteria provided, single submitter. Criteria: ACMG Guidelines, 2015. Collection method: clinical testing. Allele origin: germline. Affected: yes. Observed: 4 variant alleles.

Literature cited by the submitters: PubMed 33090715 (cited by Labcorp Genetics (formerly Invitae), Labcorp).

NM_001034853.2(RPGR):c.334G>A (p.Gly112Ser)

Gene: RPGR (retinitis pigmentosa GTPase regulator; minus strand). Cytogenetic location: Xp11.4.
Variant type: single nucleotide variant.
Coding change: c.334G>A on transcript NM_001034853.2 (MANE Select); coding-DNA position 334, G replaced by A.
Protein change: p.Gly112Ser; replaces glycine 112 with serine.
Molecular consequence: missense variant. On other transcripts: non-coding transcript variant (6).
Genome position (GRCh38, 1-based): chrX:38,318,964, C>T on the plus strand (G>A on the coding strand, the complement: RPGR is on the minus strand). VCF-style: chrX-38318964-C-T. GRCh37 (hg19) VCF-style: chrX-38178217-C-T.
Other names: c.334G>A, p.Gly112Ser (NM_000328.3, NM_001367245.1, NM_001367246.1 and 3 more transcripts); c.364G>A, p.Gly122Ser (NM_001367248.1); c.331G>A, p.Gly111Ser (NM_001367249.1); short protein forms G111S, G112S, G122S.
Identifiers: ClinVar variation 1962630 (VCV001962630.6), dbSNP rs2519895230, ClinGen allele CA412745288.